The following is an entry in ClinVar:

GRCh38/hg38 5q31.1(chr5:132816203-135383158)x1

Genes: AFF4 (ALF transcription elongation factor 4; minus strand), AFF4-DT (AFF4 divergent transcript; plus strand), C5orf15 (chromosome 5 open reading frame 15; minus strand), C5orf15-DT (C5orf15 divergent transcript; plus strand), C5orf24 (chromosome 5 open reading frame 24; plus strand) and 147 more. Cytogenetic location: 5q31.1.
Variant type: copy number loss.
Change: copy number 1 (one copy instead of two) of chr5:132,816,203-135,383,158 (2.57 Mb, GRCh38 coordinates, 1-based), cytogenetic band 5q31.1.
Identifiers: ClinVar variation 58360 (VCV000058360.1).

ClinVar aggregate classification (germline): Pathogenic (1 of 4 stars; one submission).

Submission:

ISCA site 15
Classification: Pathogenic. Last evaluated: 2011-08-12. Review status: criteria provided, single submitter. Criteria: Kaminsky et al. (Genet Med. 2011). Collection method: clinical testing. Allele origin: unknown. Affected: yes. Observed: 1 variant allele.
Comment: Copy number variation identified through the course of routine clinical cytogenomic testing in postnatal populations. Clinical assertions have been curated as described in Kaminsky et al. 2011.